The following is an entry in ClinVar:

NM_016648.4(LARP7):c.837G>C (p.Arg279=)

Genes: LARP7 (La ribonucleoprotein 7, transcriptional regulator; plus strand), MIR302CHG (miR-302/367 cluster host gene; minus strand). Cytogenetic location: 4q25.
Variant type: single nucleotide variant.
Coding change: c.837G>C on transcript NM_016648.4 (MANE Select); coding-DNA position 837, G replaced by C.
Protein change: p.Arg279=; no amino-acid change (arginine 279 retained).
Molecular consequence: synonymous variant.
Genome position (GRCh38, 1-based): chr4:112,647,389, G>C. VCF-style: chr4-112647389-G-C. GRCh37 (hg19) VCF-style: chr4-113568545-G-C.
Other names: c.837G>C, p.Arg279= (NM_001267039.4, NM_001370974.1, NM_001370975.1 and 2 more transcripts); c.834G>C, p.Arg278= (NM_001370976.1, NM_001370977.1, NM_001370979.1 and 1 more transcripts); c.600G>C, p.Arg200= (NM_001370981.1, NM_001370982.1); c.858G>C (NM_001267039.1).
Identifiers: ClinVar variation 2418154 (VCV002418154.10), dbSNP rs754602989, ClinGen allele CA3049283.
Genomic context (GRCh38, chr4:112,647,389, plus strand): 5'-GGGCTCTGACATTGAGTCCACTGAACCCCAAAAGCAGTGCTCAAAGAAAAAGAAAAAACG[G>C]GACAGAGTTGAAGCATCTAGCTTACCTGAAGTCAGAACAGGGAAGAGGAAGAGAAGCAGC-3'
Protein context (NP_057732.2, residues 269-289): QKQCSKKKKK[Arg279=]DRVEASSLPE

ClinVar aggregate classification (germline): Likely benign. Review status: criteria provided, multiple submitters, no conflicts (2 of 4 stars). 3 submissions from 3 submitters: Likely benign (2). 1 of the submissions does not count toward it. Last evaluated 2025-08-26.

Conditions:
LARP7-related disorder. Also called: LARP7-related condition.

gnomAD v4.1: 64 of 1,613,806 alleles (0.004%); highest among the groups gnomAD compares: Middle Eastern, 0.033%; no homozygotes.

Submissions (3):

Labcorp Genetics (formerly Invitae), Labcorp
Classification: Likely benign. Last evaluated: 2025-08-26. Review status: criteria provided, single submitter. Criteria: Invitae Variant Classification Sherloc (09022015). Collection method: clinical testing. Allele origin: germline.

Blueprint Genetics
Classification: Likely benign. Last evaluated: 2024-11-13. Review status: criteria provided, single submitter. Criteria: ACMG Guidelines, 2015. Collection method: clinical testing. Allele origin: germline.

PreventionGenetics, part of Exact Sciences
Classification: Likely benign for LARP7-related condition. Last evaluated: 2019-02-22. Review status: no assertion criteria provided. Collection method: clinical testing. Allele origin: germline. Not counted in ClinVar's aggregate classification.
Comment: This variant is classified as likely benign based on ACMG/AMP sequence variant interpretation guidelines (Richards et al. 2015 PMID: 25741868, with internal and published modifications).